The following is an entry in ClinVar:

ClinVar aggregate classification (germline): Uncertain significance (1 of 4 stars; one submission).

Conditions:
Emery-Dreifuss muscular dystrophy 5, autosomal dominant (EDMD5). Also called: EMERY-DREIFUSS MUSCULAR DYSTROPHY 5. Identifiers: Orphanet 261, MedGen C2751805, MONDO:0013072, OMIM 612999.

gnomAD v4.1: 16 of 1,614,056 alleles (0.00099%); highest among the groups gnomAD compares: Non-Finnish European, 0.0013%; no homozygotes.

Submission:

Labcorp Genetics (formerly Invitae), Labcorp
Classification: Uncertain significance for Emery-Dreifuss muscular dystrophy 5, autosomal dominant. Last evaluated: 2025-10-24. Review status: criteria provided, single submitter. Criteria: Invitae Variant Classification Sherloc (09022015). Collection method: clinical testing. Allele origin: germline.
Comment: This sequence change replaces proline, which is neutral and non-polar, with serine, which is neutral and polar, at codon 2755 of the SYNE2 protein (p.Pro2755Ser). This variant is present in population databases (rs768199515, gnomAD 0.003%). This variant has not been reported in the literature in individuals affected with SYNE2-related conditions. ClinVar contains an entry for this variant (Variation ID: 3610989). An algorithm developed to predict the effect of missense changes on protein structure and function outputs the following: PolyPhen-2: "Benign". The serine amino acid residue is found in multiple mammalian species, which suggests that this missense change does not adversely affect protein function. In summary, the available evidence is currently insufficient to determine the role of this variant in disease. Therefore, it has been classified as a Variant of Uncertain Significance.

NM_182914.3(SYNE2):c.8263C>T (p.Pro2755Ser)

Gene: SYNE2 (spectrin repeat containing nuclear envelope protein 2; plus strand). Cytogenetic location: 14q23.2.
Variant type: single nucleotide variant.
Coding change: c.8263C>T on transcript NM_182914.3 (MANE Select); coding-DNA position 8263, C replaced by T.
Protein change: p.Pro2755Ser; replaces proline 2755 with serine.
Molecular consequence: missense variant.
Genome position (GRCh38, 1-based): chr14:64,052,176, C>T. VCF-style: chr14-64052176-C-T. GRCh37 (hg19) VCF-style: chr14-64518894-C-T.
Other names: c.8263C>T, p.Pro2755Ser (NM_015180.6); short protein forms P2755S.
Identifiers: ClinVar variation 3610989 (VCV003610989.2).